The following is an entry in ClinVar:

ClinVar aggregate classification (germline): Uncertain significance (1 of 4 stars; one submission).

Submission:

GeneDx
Classification: Uncertain significance. Last evaluated: 2017-11-10. Review status: criteria provided, single submitter. Criteria: GeneDx Variant Classification (06012015). Collection method: clinical testing. Allele origin: germline. Affected: yes.
Comment: A variant of uncertain significance has been identified in the GOSR2 gene. The c.204-16_204-13delTCTC variant has not been published as a pathogenic variant, nor has it been reported as a benign variant to our knowledge. The c.204-16_204-13delTCTC variant is not observed in large population cohorts (Lek et al., 2016). Several in silico splice prediction models predict that c.204-16_204-13delTCTC may damage or destroy the the natural acceptor site and lead to abnormal gene splicing. However, in the absence of RNA/functional studies, the actual effect of this sequence change in this individual is unknown. Therefore, based on the currently available information, it is unclear whether this variant is a pathogenic variant or a rare benign variant.

NM_004287.5(GOSR2):c.204-22TC[3]

Genes: LRRC37A2 (leucine rich repeat containing 37 member A2), GOSR2 (golgi SNAP receptor complex member 2; plus strand), LOC126862578 (BRD4-independent group 4 enhancer GRCh37_chr17:45008344-45009543; plus strand). Cytogenetic location: 17q21.32.
Variant type: Microsatellite.
Coding change: c.204-22TC[3] on transcript NM_004287.5 (MANE Select); three copies in a row of the 2-base unit TC starting at c.204-22; the reference has five copies in a row; two copies, 4 bases deleted.
Molecular consequence: intron variant.
Genome position (GRCh38, 1-based): chr17:46,932,051-46,932,054, TCTC deleted; deleting any 4 consecutive bases within chr17:46,932,045-46,932,054 gives the same sequence; the position shown is the placement nearest the transcript's 3' end. VCF-style (leftmost placement, unchanged base first): chr17-46932044-ATCTC-A. GRCh37 (hg19) VCF-style: chr17-45009410-ATCTC-A.
Other names: c.204-22TC[3] (NM_001321133.2, NM_054022.4, NM_001330252.2 and 1 more transcripts); c.150-22TC[3] (NM_001363851.2, NM_001321134.2); c.201-22TC[3] (NM_001353114.2, NM_001353115.2, NM_001353116.2); c.204-16_204-13delTCTC (NM_004287.3).
Identifiers: ClinVar variation 503796 (VCV000503796.1), dbSNP rs1299045620, ClinGen allele CA658798883.